The following is an entry in ClinVar:

NM_000548.5(TSC2):c.4417A>G (p.Lys1473Glu)

Gene: TSC2 (TSC complex subunit 2; plus strand). Cytogenetic location: 16p13.3.
Variant type: single nucleotide variant.
Coding change: c.4417A>G on transcript NM_000548.5 (MANE Select); coding-DNA position 4417, A replaced by G.
Protein change: p.Lys1473Glu; replaces lysine 1473 with glutamic acid.
Molecular consequence: missense variant.
Genome position (GRCh38, 1-based): chr16:2,084,639, A>G. VCF-style: chr16-2084639-A-G. GRCh37 (hg19) VCF-style: chr16-2134640-A-G.
Other names: c.4216A>G, p.Lys1406Glu (NM_001077183.3); c.4348A>G, p.Lys1450Glu (NM_001114382.3); c.4108A>G, p.Lys1370Glu (NM_001318827.2); c.4072A>G, p.Lys1358Glu (NM_001318829.2); c.3685A>G, p.Lys1229Glu (NM_001318831.2); c.4249A>G, p.Lys1417Glu (NM_001318832.2); c.4219A>G, p.Lys1407Glu (NM_001363528.2); c.4285A>G, p.Lys1429Glu (NM_001370404.1); and 26 more; short protein forms K1229E, K1249E, K1250E, K1369E, K1401E, K1403E, K1413E, K1417E.
Identifiers: ClinVar variation 2015868 (VCV002015868.4), dbSNP rs397515136, ClinGen allele CA394302117.

ClinVar aggregate classification (germline): Uncertain significance (1 of 4 stars; one submission).

Conditions:
Tuberous sclerosis 2 (TSC2). Identifiers: Orphanet 805, MedGen C1860707, MONDO:0013199, OMIM 613254.

Submission:

Labcorp Genetics (formerly Invitae), Labcorp
Classification: Uncertain significance for Tuberous sclerosis 2. Last evaluated: 2024-04-30. Review status: criteria provided, single submitter. Criteria: Invitae Variant Classification Sherloc (09022015). Collection method: clinical testing. Allele origin: germline.
Comment: This sequence change replaces lysine, which is basic and polar, with glutamic acid, which is acidic and polar, at codon 1473 of the TSC2 protein (p.Lys1473Glu). This variant is not present in population databases (gnomAD no frequency). This variant has not been reported in the literature in individuals affected with TSC2-related conditions. ClinVar contains an entry for this variant (Variation ID: 2015868). Advanced modeling of protein sequence and biophysical properties (such as structural, functional, and spatial information, amino acid conservation, physicochemical variation, residue mobility, and thermodynamic stability) performed at Invitae indicates that this missense variant is not expected to disrupt TSC2 protein function with a negative predictive value of 95%. In summary, the available evidence is currently insufficient to determine the role of this variant in disease. Therefore, it has been classified as a Variant of Uncertain Significance.